The following is an entry in ClinVar:

NM_000257.4(MYH7):c.3415C>T (p.Leu1139=)

Gene: MYH7 (myosin heavy chain 7; minus strand). Cytogenetic location: 14q11.2.
Variant type: single nucleotide variant.
Coding change: c.3415C>T on transcript NM_000257.4 (MANE Select); coding-DNA position 3415, C replaced by T.
Protein change: p.Leu1139=; no amino-acid change (leucine 1139 retained).
Molecular consequence: synonymous variant.
Genome position (GRCh38, 1-based): chr14:23,420,156, G>A on the plus strand (C>T on the coding strand, the complement: MYH7 is on the minus strand). VCF-style: chr14-23420156-G-A. GRCh37 (hg19) VCF-style: chr14-23889365-G-A.
Other names: c.3415C>T, p.Leu1139= (NM_001407004.1).
Identifiers: ClinVar variation 2773927 (VCV002773927.5), dbSNP rs766649328, ClinGen allele CA037233.

ClinVar aggregate classification (germline): Likely benign. Review status: criteria provided, multiple submitters, no conflicts (2 of 4 stars). 3 submissions from 3 submitters: Likely benign (3). Last evaluated 2024-09-02.

Conditions:
Cardiomyopathy (CMYO). Also called: Cardiomyopathies. Identifiers: Orphanet 167848, MedGen C0878544, MONDO:0004994, HP:0001638. Inheritance: Various modes of inheritance.
Hypertrophic cardiomyopathy. Also called: HYPERTROPHIC MYOCARDIOPATHY. Identifiers: Orphanet 217569, MedGen C0007194, MeSH D002312, MONDO:0005045, HP:0001639.

Allele frequency attached by ClinVar (database versions not stated): gnomAD exomes below 0.00001; ExAC 0.00001; gnomAD 0.00001.

Submissions (3):

Labcorp Genetics (formerly Invitae), Labcorp
Classification: Likely benign for Hypertrophic cardiomyopathy. Last evaluated: 2024-09-02. Review status: criteria provided, single submitter. Criteria: Invitae Variant Classification Sherloc (09022015). Collection method: clinical testing. Allele origin: germline.

All of Us Research Program, National Institutes of Health
Classification: Likely benign for Cardiomyopathy. Last evaluated: 2023-09-17. Review status: criteria provided, single submitter. Criteria: ACMG Guidelines, 2015. Collection method: clinical testing. Allele origin: germline. Inheritance: Autosomal dominant inheritance. Observed: 1 variant allele, 1 heterozygote.
Comment: This study involves interpretation of variants in research participants for the purpose of population health screening. Participant phenotype was not available at the time of variant classification. Additional details can be found in publication PMID: 35346344, PMCID: PMC8962531

Color Diagnostics, LLC DBA Color Health
Classification: Likely benign for Cardiomyopathy. Last evaluated: 2018-11-08. Review status: criteria provided, single submitter. Criteria: ACMG Guidelines, 2015. Collection method: clinical testing. Allele origin: germline.